The following is an entry in ClinVar:

NM_178452.6(DNAAF1):c.317del (p.Pro106fs)

Gene: DNAAF1 (dynein axonemal assembly factor 1; plus strand). Cytogenetic location: 16q24.1.
Variant type: Deletion.
Coding change: c.317del on transcript NM_178452.6 (MANE Select); coding-DNA position 317, one base deleted (C; older notation c.317delC).
Protein change: p.Pro106fs; shifts the reading frame from proline 106.
Molecular consequence: frameshift variant.
Genome position (GRCh38, 1-based): chr16:84,150,307, C deleted; the last of 4 consecutive C bases (chr16:84,150,304-84,150,307); deleting any one gives the same sequence. VCF-style (leftmost placement, unchanged base first): chr16-84150303-AC-A. GRCh37 (hg19) VCF-style: chr16-84183908-AC-A.
Other names: short protein forms P106fs.
Identifiers: ClinVar variation 2027246 (VCV002027246.4), dbSNP rs2507345386, ClinGen allele CA2580092185.

ClinVar aggregate classification (germline): Pathogenic (1 of 4 stars; one submission).

Conditions:
Primary ciliary dyskinesia. Also called: Ciliary dyskinesia. Identifiers: Orphanet 244, MedGen C0008780, MONDO:0016575, HP:0012265.

Submission:

Labcorp Genetics (formerly Invitae), Labcorp
Classification: Pathogenic for Primary ciliary dyskinesia. Last evaluated: 2022-08-27. Review status: criteria provided, single submitter. Criteria: Invitae Variant Classification Sherloc (09022015). Collection method: clinical testing. Allele origin: germline.
Comment: This sequence change creates a premature translational stop signal (p.Pro106Glnfs*3) in the DNAAF1 gene. It is expected to result in an absent or disrupted protein product. Loss-of-function variants in DNAAF1 are known to be pathogenic (PMID: 19944400, 19944405). For these reasons, this variant has been classified as Pathogenic. This variant has not been reported in the literature in individuals affected with DNAAF1-related conditions. This variant is not present in population databases (gnomAD no frequency).

Literature cited by the submitters: PubMed 19944400; PubMed 19944405.